The following is an entry in ClinVar:

ClinVar aggregate classification (germline): Uncertain significance (1 of 4 stars; one submission).

Conditions:
Hereditary sensory and autonomic neuropathy type 6. Also called: Neuropathy, hereditary sensory and autonomic, type VI; HSAN VI. Identifiers: Orphanet 314381, MedGen C3539003, MONDO:0013839, OMIM 614653.
Epidermolysis bullosa simplex 3, localized or generalized intermediate, with BP230 deficiency (EBS3). Also called: Epidermolysis bullosa simplex due to BP230 deficiency; Epidermolysis bullosa simplex, autosomal recessive 2. Identifiers: Orphanet 412181, MedGen C3809470, MONDO:0014180, OMIM 615425.

gnomAD v4.1: 2 of 1,613,960 alleles (0.00012%); highest among the groups gnomAD compares: Non-Finnish European, 0.00017%; no homozygotes.

Submission:

Labcorp Genetics (formerly Invitae), Labcorp
Classification: Uncertain significance for Epidermolysis bullosa simplex 3, localized or generalized intermediate, with BP230 deficiency; Hereditary sensory and autonomic neuropathy type 6. Last evaluated: 2025-10-08. Review status: criteria provided, single submitter. Criteria: Invitae Variant Classification Sherloc (09022015). Collection method: clinical testing. Allele origin: germline.
Comment: The DST gene has multiple clinically relevant transcripts. This variant occurs in alternate transcript NM_015548.4, and corresponds to NM_001723.5:c.*128391A>G in the primary transcript. This sequence change replaces isoleucine, which is neutral and non-polar, with valine, which is neutral and non-polar, at codon 4386 of the DST protein (p.Ile4386Val). This variant is not present in population databases (gnomAD no frequency). This variant has not been reported in the literature in individuals affected with DST-related conditions. Experimental studies and prediction algorithms are not available or were not evaluated, and the functional significance of this variant is currently unknown. In summary, the available evidence is currently insufficient to determine the role of this variant in disease. Therefore, it has been classified as a Variant of Uncertain Significance.

NM_001374736.1(DST):c.21025A>G (p.Ile7009Val)

Gene: DST (dystonin; minus strand). Cytogenetic location: 6p12.1.
Variant type: single nucleotide variant.
Coding change: c.21025A>G on transcript NM_001374736.1 (MANE Select); coding-DNA position 21025, A replaced by G.
Protein change: p.Ile7009Val; replaces isoleucine 7009 with valine.
Molecular consequence: missense variant.
Genome position (GRCh38, 1-based): chr6:56,487,126, T>C on the plus strand (A>G on the coding strand, the complement: DST is on the minus strand). VCF-style: chr6-56487126-T-C. GRCh37 (hg19) VCF-style: chr6-56351924-T-C.
Other names: c.14668A>G, p.Ile4890Val (NM_001144769.5); c.14254A>G, p.Ile4752Val (NM_001144770.2); c.21025A>G, p.Ile7009Val (NM_001374722.1); c.20065A>G, p.Ile6689Val (NM_001374729.1); c.13807A>G, p.Ile4603Val (NM_001374730.1); c.21052A>G, p.Ile7018Val (NM_001374734.1); c.14134A>G, p.Ile4712Val (NM_001386100.1, NM_183380.4); c.13156A>G, p.Ile4386Val (NM_015548.5); short protein forms I4712V, I4752V, I7018V, I4890V, I7009V, I4386V, I6689V, I4603V.
Identifiers: ClinVar variation 4794524 (VCV004794524.1).